The following is an entry in ClinVar:

NM_006019.4(TCIRG1):c.2414+1G>A

Gene: TCIRG1 (T cell immune regulator 1, ATPase H+ transporting V0 subunit a3; plus strand). Cytogenetic location: 11q13.2.
Variant type: single nucleotide variant.
Coding change: c.2414+1G>A on transcript NM_006019.4 (MANE Select); the canonical splice donor site of the intron after coding-DNA position 2414, G replaced by A.
Molecular consequence: splice donor variant.
Genome position (GRCh38, 1-based): chr11:68,050,665, G>A. VCF-style: chr11-68050665-G-A. GRCh37 (hg19) VCF-style: chr11-67818132-G-A.
Other names: c.1520+1G>A (NM_001351059.2); c.1766+1G>A (NM_006053.4).
Identifiers: ClinVar variation 2098484 (VCV002098484.4), dbSNP rs1197127947, ClinGen allele CA381592301.

ClinVar aggregate classification (germline): Likely pathogenic (1 of 4 stars; one submission).

Submission:

Labcorp Genetics (formerly Invitae), Labcorp
Classification: Likely pathogenic. Last evaluated: 2022-04-08. Review status: criteria provided, single submitter. Criteria: Invitae Variant Classification Sherloc (09022015). Collection method: clinical testing. Allele origin: germline.
Comment: This sequence change affects a donor splice site in intron 19 of the TCIRG1 gene. RNA analysis indicates that disruption of this splice site induces altered splicing and likely disrupts the C-terminus of the protein. This variant is not present in population databases (gnomAD no frequency). Disruption of this splice site has been observed in individual(s) with infantile malignant osteopetrosis (PMID: 11856654). In at least one individual the data is consistent with being in trans (on the opposite chromosome) from a pathogenic variant. Variants that disrupt the consensus splice site are a relatively common cause of aberrant splicing (PMID: 17576681, 9536098). Studies have shown that disruption of this splice site results in activation of a cryptic splice site which led to skipping of exon 19 and introduces a new termination codon (PMID: 11856654). However the mRNA is not expected to undergo nonsense-mediated decay. In summary, the currently available evidence indicates that the variant is pathogenic, but additional data are needed to prove that conclusively. Therefore, this variant has been classified as Likely Pathogenic.

Literature cited by the submitters: PubMed 11856654; PubMed 17576681; PubMed 9536098.